The following is an entry in ClinVar:

ClinVar aggregate classification (germline): Likely benign (1 of 4 stars; one submission).

Conditions:
Breast-ovarian cancer, familial, susceptibility to, 1 (BROVCA1). Also called: OVARIAN CANCER, SUSCEPTIBILITY TO; BRCA1 Hereditary Breast and Ovarian Cancer. Identifiers: Orphanet 145, MedGen C2676676, MONDO:0011450, OMIM 604370. Disease mechanism: loss of function.

gnomAD v4.1: 1 of 1,614,134 alleles (0.000062%); highest among the groups gnomAD compares: South Asian, 0.0011%; no homozygotes.

Submission:

Cancer Bioinformatics and Tumour Evolution Laboratory, Monash University
Classification: Likely benign for Breast-ovarian cancer, familial, susceptibility to, 1. Last evaluated: 2026-05-01. Review status: criteria provided, single submitter. Criteria: ClinGen BRCA1 and BRCA2 Guidelines, 2024. Collection method: curation. Allele origin: germline. Inheritance: Autosomal dominant inheritance.
Comment: Missense variant outside of a functional domain with no splice impact. BRCA1 and BRCA2 VCEP guidelines recommend application of BP1_Strong (PMID: 39142283)

NM_007294.4(BRCA1):c.1138C>A (p.Gln380Lys)

Gene: BRCA1 (BRCA1 DNA repair associated; minus strand). Cytogenetic location: 17q21.31.
Variant type: single nucleotide variant.
Coding change: c.1138C>A on transcript NM_007294.4 (MANE Select); coding-DNA position 1138, C replaced by A.
Protein change: p.Gln380Lys; replaces glutamine 380 with lysine.
Molecular consequence: missense variant. On other transcripts: intron variant (137).
Genome position (GRCh38, 1-based): chr17:43,094,393, G>T on the plus strand (C>A on the coding strand, the complement: BRCA1 is on the minus strand). VCF-style: chr17-43094393-G-T. GRCh37 (hg19) VCF-style: chr17-41246410-G-T.
Other names: c.784+351C>A (NM_001408396.1, NM_001407985.1, NM_001408401.1 and 13 more transcripts); c.548-3361C>A (NM_001408494.1); c.664+351C>A (NM_001408444.1, NM_001408438.1, NM_001408430.1 and 12 more transcripts); c.670+1453C>A (NM_001408423.1, NM_001408420.1, NM_001408419.1 and 2 more transcripts); c.787+351C>A (NM_001408404.1, NM_001408472.1, NM_001407990.1 and 19 more transcripts); c.460+1453C>A (NM_001408506.1, NM_001408507.1); c.577+351C>A (NM_001408481.1, NM_001408480.1, NM_001408492.1 and 9 more transcripts); c.778+351C>A (NM_001408408.1); and 40 more; short protein forms Q212K, Q252K, Q253K, Q268K, Q269K, Q291K, Q292K, Q309K.
Identifiers: ClinVar variation 4856531 (VCV004856531.1).